The following is an entry in ClinVar:

NM_001370100.5(ZMYND11):c.150A>G (p.Lys50=)

Gene: ZMYND11 (zinc finger MYND-type containing 11; plus strand). Cytogenetic location: 10p15.3.
Variant type: single nucleotide variant.
Coding change: c.150A>G on transcript NM_001370100.5 (MANE Select); coding-DNA position 150, A replaced by G.
Protein change: p.Lys50=; no amino-acid change (lysine 50 retained).
Molecular consequence: synonymous variant. On other transcripts: non-coding transcript variant (1), intron variant (1).
Genome position (GRCh38, 1-based): chr10:209,922, A>G. VCF-style: chr10-209922-A-G. GRCh37 (hg19) VCF-style: chr10-255862-A-G.
Other names: c.150A>G, p.Lys50= (NM_001202464.3, NM_001202465.3, NM_001202466.3 and 24 more transcripts); c.99A>G, p.Lys33= (NM_001330057.3, NM_001370112.2, NM_001370123.2); c.84A>G, p.Lys28= (NM_001370116.2, NM_001370120.2); c.30A>G, p.Lys10= (NM_001370118.2, NM_001370121.2); c.-33-26916A>G (NM_001370124.3).
Identifiers: ClinVar variation 3257099 (VCV003257099.17).
Genomic context (GRCh38, chr10:209,922, plus strand): 5'-TTAAATTTGTTTTTCCTCTGTGTTCAGGTATATGTCTCGAGTCCACGGTATGCACCCTAA[A>G]GAGACCACCCGTCAGCTGAGCTTAGCTGTGAAAGATGGTCTTATTGTCGAAACTCTAACA-3'
Protein context (NP_001357029.1, residues 40-60): YMSRVHGMHP[Lys50=]ETTRQLSLAV

ClinVar aggregate classification (germline): Likely benign (1 of 4 stars; one submission).

gnomAD v4.1: 20 of 1,613,976 alleles (0.0012%); highest among the groups gnomAD compares: Non-Finnish European, 0.0017%; no homozygotes.

Submission:

CeGaT Center for Human Genetics Tuebingen
Classification: Likely benign. Last evaluated: 2024-07-01. Review status: criteria provided, single submitter. Criteria: CeGaT Center For Human Genetics Tuebingen Variant Classification Criteria Version 2. Collection method: clinical testing. Allele origin: germline. Affected: yes. Observed: 1 variant allele.
Comment: ZMYND11: BP4